The following is an entry in ClinVar:

NM_139058.3(ARX):c.435_475del (p.Ala146fs)

Genes: ARX (aristaless related homeobox; minus strand), LOC109610631 (aristaless related homeobox polyalanine expansion region; plus strand). Cytogenetic location: Xp21.3.
Variant type: Deletion.
Coding change: c.435_475del on transcript NM_139058.3 (MANE Select); coding-DNA positions 435 to 475, 41 bases deleted.
Protein change: p.Ala146fs; shifts the reading frame from alanine 146.
Molecular consequence: frameshift variant.
Genome position (GRCh38, 1-based): chrX:25,013,520-25,013,560, 41 bases deleted; deleting any 41 consecutive bases within chrX:25,013,520-25,013,563 gives the same sequence; the c. name uses the placement nearest the transcript's 3' end. GRCh37 (hg19): chrX:25,031,640-25,031,680.
Other names: short protein forms A146fs.
Identifiers: ClinVar variation 1879756 (VCV001879756.29), dbSNP rs2519107237, ClinGen allele CA2580100523.
Genomic context (GRCh38, chrX:25,013,519, plus strand): 5'-CCGTTCTCGCGGTACGACTTGCTGCGGCTGATGCTCACCTGCGGCGCCTGGCTGATCTTG[AGCGTGTCCCAGGCCGCGGCGGCCGCGGCCGCGGCTGCCGCG>A]GCGGCCCCTGCGCCGTCCGGCCGTTCCCCGGGCCGCGCGGTTGGCGGTGGCGGCGGAGGG-3'

ClinVar aggregate classification (germline): Pathogenic (1 of 4 stars; one submission).

Submission:

CeGaT Center for Human Genetics Tuebingen
Classification: Pathogenic. Last evaluated: 2022-10-01. Review status: criteria provided, single submitter. Criteria: CeGaT Center For Human Genetics Tuebingen Variant Classification Criteria Version 2. Collection method: clinical testing. Allele origin: germline. Affected: yes. Observed: 1 variant allele.
Comment: ARX: PVS1, PM2